The following is an entry in ClinVar:

NM_001303457.2(TTI1):c.2416G>A (p.Ala806Thr)

Gene: TTI1 (TELO2 interacting protein 1; minus strand). Cytogenetic location: 20q11.23.
Variant type: single nucleotide variant.
Coding change: c.2416G>A on transcript NM_001303457.2 (MANE Select); coding-DNA position 2416, G replaced by A.
Protein change: p.Ala806Thr; replaces alanine 806 with threonine.
Molecular consequence: missense variant.
Genome position (GRCh38, 1-based): chr20:38,006,284, C>T on the plus strand (G>A on the coding strand, the complement: TTI1 is on the minus strand). VCF-style: chr20-38006284-C-T. GRCh37 (hg19) VCF-style: chr20-36634686-C-T.
Other names: c.2416G>A, p.Ala806Thr (NM_014657.3); c.2416G>A (NM_014657.1); short protein forms A806T.
Identifiers: ClinVar variation 3384769 (VCV003384769.2).

ClinVar aggregate classification (germline): Uncertain significance. Review status: criteria provided, multiple submitters, no conflicts (2 of 4 stars). 2 submissions from 2 submitters: Uncertain significance (2). Last evaluated 2024-10-11.

Conditions:
Inborn genetic diseases. Identifiers: MedGen C0950123, MeSH D030342.

gnomAD v4.1: 18 of 1,614,080 alleles (0.0011%); highest among the groups gnomAD compares: Non-Finnish European, 0.0012%; no homozygotes.

Submissions (2):

Women's Health and Genetics/Laboratory Corporation of America, LabCorp
Classification: Uncertain significance. Last evaluated: 2024-10-11. Review status: criteria provided, single submitter. Criteria: LabCorp Variant Classification Summary - May 2015. Collection method: clinical testing. Allele origin: germline.
Comment: Variant summary: TTI1 c.2416G>A (p.Ala806Thr) results in a non-conservative amino acid change in the encoded protein sequence. Three of five in-silico tools predict a benign effect of the variant on protein function. The variant allele was found at a frequency of 2.4e-05 in 251476 control chromosomes. The available data on variant occurrences in the general population are insufficient to allow any conclusion about variant significance. To our knowledge, no occurrence of c.2416G>A in individuals affected with Neurodevelopmental Disorder With Microcephaly And Movement Abnormalities and no experimental evidence demonstrating its impact on protein function have been reported. No submitters have cited clinical-significance assessments for this variant to ClinVar. Based on the evidence outlined above, the variant was classified as uncertain significance.

Ambry Genetics
Classification: Uncertain significance for Inborn genetic diseases. Last evaluated: 2024-08-28. Review status: criteria provided, single submitter. Criteria: Ambry Variant Classification Scheme 2023. Collection method: clinical testing. Allele origin: germline.